The following is an entry in ClinVar:

ClinVar aggregate classification (germline): Uncertain significance (1 of 4 stars; one submission).

Conditions:
Familial cold autoinflammatory syndrome 3 (FCAS3). Also called: FAMILIAL ATYPICAL COLD URTICARIA; ANTIBODY DEFICIENCY AND IMMUNE DYSREGULATION, PLCG2-ASSOCIATED. Identifiers: Orphanet 300359, MedGen C3280914, MONDO:0013766, OMIM 614468.

Allele frequency attached by ClinVar (database versions not stated): gnomAD 0.00001; ExAC 0.00002.
gnomAD v4.1: 29 of 1,613,876 alleles (0.0018%); highest among the groups gnomAD compares: Middle Eastern, 0.016%; no homozygotes.

Submission:

Labcorp Genetics (formerly Invitae), Labcorp
Classification: Uncertain significance for Familial cold autoinflammatory syndrome 3. Last evaluated: 2025-10-16. Review status: criteria provided, single submitter. Criteria: Invitae Variant Classification Sherloc (09022015). Collection method: clinical testing. Allele origin: germline.
Comment: This sequence change replaces arginine, which is basic and polar, with cysteine, which is neutral and slightly polar, at codon 623 of the PLCG2 protein (p.Arg623Cys). This variant is present in population databases (rs750403828, gnomAD 0.005%). This variant has not been reported in the literature in individuals affected with PLCG2-related conditions. ClinVar contains an entry for this variant (Variation ID: 2775879). An algorithm developed to predict the effect of missense changes on protein structure and function (PolyPhen-2) suggests that this variant is likely to be disruptive. In summary, the available evidence is currently insufficient to determine the role of this variant in disease. Therefore, it has been classified as a Variant of Uncertain Significance.

NM_002661.5(PLCG2):c.1867C>T (p.Arg623Cys)

Gene: PLCG2 (phospholipase C gamma 2; plus strand). Cytogenetic location: 16q23.3.
Variant type: single nucleotide variant.
Coding change: c.1867C>T on transcript NM_002661.5 (MANE Select); coding-DNA position 1867, C replaced by T.
Protein change: p.Arg623Cys; replaces arginine 623 with cysteine.
Molecular consequence: missense variant.
Genome position (GRCh38, 1-based): chr16:81,910,653, C>T. VCF-style: chr16-81910653-C-T. GRCh37 (hg19) VCF-style: chr16-81944258-C-T.
Other names: c.1867C>T, p.Arg623Cys (NM_001425749.1, NM_001425750.1, NM_001425751.1); short protein forms R623C.
Identifiers: ClinVar variation 2775879 (VCV002775879.3), dbSNP rs750403828, ClinGen allele CA8193961.
Genomic context (GRCh38, chr16:81,910,653, plus strand): 5'-GACAACCTCACCTTCAGCAGCATCTATGCCCTCATCCAGCACTACCGCGAGACGCACCTG[C>T]GCTGCGCCGAGTTCGAGCTGCGGCTCACGGACCCTGTGCCCAACCCCAACCCCCACGAGT-3'
Protein context (NP_002652.2, residues 613-633): LIQHYRETHL[Arg623Cys]CAEFELRLTD